The following is an entry in ClinVar:

NM_001040142.2(SCN2A):c.3961G>C (p.Glu1321Gln)

Gene: SCN2A (sodium voltage-gated channel alpha subunit 2; plus strand). Cytogenetic location: 2q24.3.
Variant type: single nucleotide variant.
Coding change: c.3961G>C on transcript NM_001040142.2 (MANE Select); coding-DNA position 3961, G replaced by C.
Protein change: p.Glu1321Gln; replaces glutamic acid 1321 with glutamine.
Molecular consequence: missense variant.
Genome position (GRCh38, 1-based): chr2:165,373,336, G>C. VCF-style: chr2-165373336-G-C. GRCh37 (hg19) VCF-style: chr2-166229846-G-C.
Other names: c.3961G>C, p.Glu1321Gln (NM_001040143.2, NM_001371246.1, NM_001371247.1 and 1 more transcripts); short protein forms E1321Q.
Identifiers: ClinVar variation 2036225 (VCV002036225.4), dbSNP rs1553593122, ClinGen allele CA349030048.

ClinVar aggregate classification (germline): Likely pathogenic (1 of 4 stars; one submission).

Conditions:
Developmental and epileptic encephalopathy, 11 (DEE11). Also called: Early infantile epileptic encephalopathy 11. Identifiers: Orphanet 1934, MedGen C3150987, MONDO:0013388, OMIM 613721.
Seizures, benign familial infantile, 3 (BFIS3). Also called: Familial neonatal seizures; CONVULSIONS, BENIGN FAMILIAL INFANTILE, 3. Identifiers: Orphanet 140927, Orphanet 306, MedGen C1843140, MONDO:0011904, OMIM 607745.

Submission:

Labcorp Genetics (formerly Invitae), Labcorp
Classification: Likely pathogenic for Seizures, benign familial infantile, 3; Developmental and epileptic encephalopathy, 11. Last evaluated: 2023-03-23. Review status: criteria provided, single submitter. Criteria: Invitae Variant Classification Sherloc (09022015). Collection method: clinical testing. Allele origin: germline.
Comment: In summary, the currently available evidence indicates that the variant is pathogenic, but additional data are needed to prove that conclusively. Therefore, this variant has been classified as Likely Pathogenic. This sequence change replaces glutamic acid, which is acidic and polar, with glutamine, which is neutral and polar, at codon 1321 of the SCN2A protein (p.Glu1321Gln). This variant is not present in population databases (gnomAD no frequency). This variant has not been reported in the literature in individuals affected with SCN2A-related conditions. ClinVar contains an entry for this variant (Variation ID: 2036225). Advanced modeling of protein sequence and biophysical properties (such as structural, functional, and spatial information, amino acid conservation, physicochemical variation, residue mobility, and thermodynamic stability) performed at Invitae indicates that this missense variant is expected to disrupt SCN2A protein function. This variant disrupts the p.Glu1321 amino acid residue in SCN2A. Other variant(s) that disrupt this residue have been determined to be pathogenic (PMID: 25982755, 30619928). This suggests that this residue is clinically significant, and that variants that disrupt this residue are likely to be disease-causing.

Literature cited by the submitters: PubMed 25982755; PubMed 30619928.